The following is an entry in ClinVar:

ClinVar aggregate classification (germline): Benign/Likely benign. Review status: criteria provided, multiple submitters, no conflicts (2 of 4 stars). 5 submissions from 5 submitters: Benign (1); Likely benign (2). 2 of the submissions do not count toward it. Last evaluated 2024-10-04.

Conditions:
Familial acute necrotizing encephalopathy (IIAE3). Also called: ENCEPHALOPATHY, ACUTE, INFECTION-INDUCED, SUSCEPTIBILITY TO, 3; Susceptibility to Acute Necrotizing Encephalopathy 1. Identifiers: Orphanet 88619, MedGen C2675556, MONDO:0011953, OMIM 608033.

Allele frequency attached by ClinVar (database versions not stated): ESP Exome Variant Server 0.00040.
gnomAD v4.1: 1,249 of 1,611,820 alleles (0.077%); highest among the groups gnomAD compares: Non-Finnish European, 0.097%; no homozygotes.

Submissions (5):

Blueprint Genetics
Classification: Likely benign. Last evaluated: 2024-10-04. Review status: criteria provided, single submitter. Criteria: ACMG Guidelines, 2015. Collection method: clinical testing. Allele origin: germline.

Labcorp Genetics (formerly Invitae), Labcorp
Classification: Benign for Familial acute necrotizing encephalopathy. Last evaluated: 2022-03-19. Review status: criteria provided, single submitter. Criteria: Invitae Variant Classification Sherloc (09022015). Collection method: clinical testing. Allele origin: germline.

GeneDx
Classification: Likely benign. Last evaluated: 2017-07-28. Review status: criteria provided, single submitter. Criteria: GeneDx Variant Classification (06012015). Collection method: clinical testing. Allele origin: germline. Affected: yes.
Comment: This variant is considered likely benign or benign based on one or more of the following criteria: it is a conservative change, it occurs at a poorly conserved position in the protein, it is predicted to be benign by multiple in silico algorithms, and/or has population frequency not consistent with disease.

Clinical Genetics DNA and cytogenetics Diagnostics Lab, Erasmus MC, Erasmus Medical Center
Classification: Likely benign. Review status: no assertion criteria provided. Collection method: clinical testing. Allele origin: germline. Affected: yes. Study: VKGL Data-share Consensus. Not counted in ClinVar's aggregate classification.

Genome Diagnostics Laboratory, University Medical Center Utrecht
Classification: Likely benign. Review status: no assertion criteria provided. Collection method: clinical testing. Allele origin: germline. Affected: yes. Study: VKGL Data-share Consensus. Not counted in ClinVar's aggregate classification.

NM_006267.5(RANBP2):c.6612C>A (p.Ala2204=)

Gene: RANBP2 (RAN binding protein 2; plus strand). Cytogenetic location: 2q13.
Variant type: single nucleotide variant.
Coding change: c.6612C>A on transcript NM_006267.5 (MANE Select); coding-DNA position 6612, C replaced by A.
Protein change: p.Ala2204=; no amino-acid change (alanine 2204 retained).
Molecular consequence: synonymous variant.
Genome position (GRCh38, 1-based): chr2:108,767,151, C>A. VCF-style: chr2-108767151-C-A. GRCh37 (hg19) VCF-style: chr2-109383607-C-A.
Identifiers: ClinVar variation 381887 (VCV000381887.14), dbSNP rs202005268, ClinGen allele CA1823459.